The following is an entry in ClinVar:

NM_000283.4(PDE6B):c.2051A>T (p.Asp684Val)

Gene: PDE6B (phosphodiesterase 6B; plus strand). Cytogenetic location: 4p16.3.
Variant type: single nucleotide variant.
Coding change: c.2051A>T on transcript NM_000283.4 (MANE Select); coding-DNA position 2051, A replaced by T.
Protein change: p.Asp684Val; replaces aspartic acid 684 with valine.
Molecular consequence: missense variant.
Genome position (GRCh38, 1-based): chr4:664,143, A>T. VCF-style: chr4-664143-A-T. GRCh37 (hg19) VCF-style: chr4-657932-A-T.
Other names: c.2051A>T, p.Asp684Val (NM_001145291.2); c.1214A>T, p.Asp405Val (NM_001145292.2, NM_001350154.3, NM_001379246.1 and 1 more transcripts); c.896A>T, p.Asp299Val (NM_001350155.3); short protein forms D405V, D684V, D299V.
Identifiers: ClinVar variation 2808047 (VCV002808047.3), dbSNP rs2474284136, ClinGen allele CA355918854.

ClinVar aggregate classification (germline): Uncertain significance (1 of 4 stars; one submission).

Submission:

Labcorp Genetics (formerly Invitae), Labcorp
Classification: Uncertain significance. Last evaluated: 2022-10-08. Review status: criteria provided, single submitter. Criteria: Invitae Variant Classification Sherloc (09022015). Collection method: clinical testing. Allele origin: germline.
Comment: In summary, the available evidence is currently insufficient to determine the role of this variant in disease. Therefore, it has been classified as a Variant of Uncertain Significance. Advanced modeling of protein sequence and biophysical properties (such as structural, functional, and spatial information, amino acid conservation, physicochemical variation, residue mobility, and thermodynamic stability) has been performed at Invitae for this missense variant, however the output from this modeling did not meet the statistical confidence thresholds required to predict the impact of this variant on PDE6B protein function. This sequence change replaces aspartic acid, which is acidic and polar, with valine, which is neutral and non-polar, at codon 684 of the PDE6B protein (p.Asp684Val). This variant is not present in population databases (gnomAD no frequency). This variant has not been reported in the literature in individuals affected with PDE6B-related conditions.